The following is an entry in ClinVar:

NM_024685.4(BBS10):c.899A>C (p.His300Pro)

Gene: BBS10 (Bardet-Biedl syndrome 10; minus strand). Cytogenetic location: 12q21.2.
Variant type: single nucleotide variant.
Coding change: c.899A>C on transcript NM_024685.4 (MANE Select); coding-DNA position 899, A replaced by C.
Protein change: p.His300Pro; replaces histidine 300 with proline.
Molecular consequence: missense variant.
Genome position (GRCh38, 1-based): chr12:76,347,086, T>G on the plus strand (A>C on the coding strand, the complement: BBS10 is on the minus strand). VCF-style: chr12-76347086-T-G. GRCh37 (hg19) VCF-style: chr12-76740866-T-G.
Other names: c.899A>C (NM_024685.3); short protein forms H300P.
Identifiers: ClinVar variation 2679962 (VCV002679962.3), dbSNP rs775386507, ClinGen allele CA6694268.

ClinVar aggregate classification (germline): Conflicting classifications of pathogenicity. Review status: criteria provided, conflicting classifications (1 of 4 stars). 3 submissions from 3 submitters: Likely pathogenic (2); Uncertain significance (1). Last evaluated 2025-04-14.

Conditions:
Bardet-Biedl syndrome 10 (BBS10). Identifiers: Orphanet 110, MedGen C1859568, MONDO:0014438, OMIM 615987.

Allele frequency attached by ClinVar (database versions not stated): ExAC 0.00001.
gnomAD v4.1: 4 of 1,613,120 alleles (0.00025%); highest among the groups gnomAD compares: Non-Finnish European, 0.00034%; no homozygotes.

Submissions (3):

Natera, Inc.
Classification: Likely pathogenic for Bardet-Biedl syndrome type 10. Last evaluated: 2025-04-14. Review status: criteria provided, single submitter. Criteria: Natera Variant Classification Schema (03/2026). Collection method: clinical testing. Allele origin: germline.
Comment: The c.899A>C variant in BBS10 is a missense variant predicted to cause substitution of histidine to proline at amino acid 300. This variant is rare in the general population with a frequency below the threshold expected for the associated phenotype(s). This variant has been observed in one or more individuals affected with the associated recessive disease, as either homozygous or compound heterozygous with a second variant (PMID: 21052717, 27659767). This variant has been identified in one or more affected individuals with a phenotype highly consistent with the associated gene (PMID: 21052717). Computational prediction algorithms indicate this variant is likely to affect gene or protein function. Given the available evidence, this variant is classified as Likely Pathogenic.

Women's Health and Genetics/Laboratory Corporation of America, LabCorp
Classification: Uncertain significance. Last evaluated: 2024-06-03. Review status: criteria provided, single submitter. Criteria: LabCorp Variant Classification Summary - May 2015. Collection method: clinical testing. Allele origin: germline.
Comment: Variant summary: BBS10 c.899A>C (p.His300Pro) results in a non-conservative amino acid change in the encoded protein sequence. Four of four in-silico tools predict a damaging effect of the variant on protein function. The variant allele was found at a frequency of 4e-06 in 250402 control chromosomes. The available data on variant occurrences in the general population are insufficient to allow any conclusion about variant significance. c.899A>C has been reported in the literature in at-leaset on individual affected with Bardet-Biedl Syndrome (Janssen_2011). These data do not allow any conclusion about variant significance. To our knowledge, no experimental evidence demonstrating an impact on protein function has been reported. The following publications have been ascertained in the context of this evaluation (PMID: 31964843, 21052717). ClinVar contains an entry for this variant (Variation ID: 2679962). Based on the evidence outlined above, the variant was classified as uncertain significance.

Baylor Genetics
Classification: Likely pathogenic for Bardet-Biedl syndrome 10. Last evaluated: 2023-10-28. Review status: criteria provided, single submitter. Criteria: ACMG Guidelines, 2015. Collection method: clinical testing. Allele origin: unknown.

Literature cited by the submitters: PubMed 21052717 (cited by Natera, Inc. and Women's Health and Genetics/Laboratory Corporation of America, LabCorp); PubMed 27659767 (cited by Natera, Inc.); PubMed 31964843 (cited by Women's Health and Genetics/Laboratory Corporation of America, LabCorp).